The following is an entry in ClinVar:

ClinVar aggregate classification (germline): Likely benign. Review status: criteria provided, single submitter (1 of 4 stars). 2 submissions from 2 submitters: Likely benign (1). 1 of the submissions does not count toward it. Last evaluated 2025-05-19.

Conditions:
RECQL4-related disorder. Also called: RECQL4-related disorders; RECQL4-related condition.
Inborn genetic diseases. Identifiers: MedGen C0950123, MeSH D030342.

Allele frequency attached by ClinVar (database versions not stated): gnomAD exomes below 0.00001.

Submissions (2):

Ambry Genetics
Classification: Likely benign for Inborn genetic diseases. Last evaluated: 2025-05-19. Review status: criteria provided, single submitter. Criteria: Ambry Variant Classification Scheme 2023. Collection method: clinical testing. Allele origin: germline.

PreventionGenetics, part of Exact Sciences
Classification: Likely benign for RECQL4-related condition. Last evaluated: 2023-09-03. Review status: no assertion criteria provided. Collection method: clinical testing. Allele origin: germline. Not counted in ClinVar's aggregate classification.
Comment: This variant is classified as likely benign based on ACMG/AMP sequence variant interpretation guidelines (Richards et al. 2015 PMID: 25741868, with internal and published modifications).

NM_004260.4(RECQL4):c.2616G>A (p.Arg872=)

Gene: RECQL4 (RecQ like helicase 4; minus strand). Cytogenetic location: 8q24.3.
Variant type: single nucleotide variant.
Coding change: c.2616G>A on transcript NM_004260.4 (MANE Select); coding-DNA position 2616, G replaced by A.
Protein change: p.Arg872=; no amino-acid change (arginine 872 retained).
Molecular consequence: synonymous variant. On other transcripts: non-coding transcript variant (3).
Genome position (GRCh38, 1-based): chr8:144,512,986, C>T on the plus strand (G>A on the coding strand, the complement: RECQL4 is on the minus strand). VCF-style: chr8-144512986-C-T. GRCh37 (hg19) VCF-style: chr8-145738369-C-T.
Other names: c.2322G>A, p.Arg774= (NM_001413017.1); c.2418G>A, p.Arg806= (NM_001413018.1); c.2616G>A, p.Arg872= (NM_001413019.1, NM_001413036.1); c.2520G>A, p.Arg840= (NM_001413020.1); c.1545G>A, p.Arg515= (NM_001413021.1, NM_001413022.1, NM_001413023.1 and 5 more transcripts); c.2487G>A, p.Arg829= (NM_001413025.1); c.1479G>A, p.Arg493= (NM_001413027.1, NM_001413030.1, NM_001413032.1 and 1 more transcripts); c.2265G>A, p.Arg755= (NM_001413029.1); and 6 more.
Identifiers: ClinVar variation 3051261 (VCV003051261.3), dbSNP rs2130671238, ClinGen allele CA463566146.